The following is an entry in ClinVar:

ClinVar aggregate classification (germline): Pathogenic (1 of 4 stars; one submission).

Conditions:
Alport syndrome. Also called: Hemorrhagic familial nephritis; Hemorrhagic hereditary nephritis; Congenital hereditary hematuria. Identifiers: Orphanet 63, MedGen C1567741, MONDO:0018965.

Submission:

Myriad Genetics, Inc.
Classification: Pathogenic for Alport syndrome. Last evaluated: 2025-05-23. Review status: criteria provided, single submitter. Criteria: Myriad Autosomal Dominant, Autosomal Recessive and X-Linked Classification Criteria (2023). Collection method: clinical testing. Allele origin: unknown.
Comment: NM_000091.4(COL4A3):c.211_214delTTGC(P72Dfs*20) is expected to be pathogenic in the context of Alport syndrome, COL4A3-related. This variant is predicted to lead to an abnormal or absent protein product due to the creation of a premature termination codon in COL4A3, a gene where loss-of-function variants are known to be pathogenic. Please note: this variant was assessed in the context of healthy population screening.

NM_000091.5(COL4A3):c.211_214del (p.Pro72fs)

Genes: COL4A3 (collagen type IV alpha 3 chain; plus strand), MFF-DT (MFF divergent transcript; minus strand). Cytogenetic location: 2q36.3.
Variant type: Deletion.
Coding change: c.211_214del on transcript NM_000091.5 (MANE Select); coding-DNA positions 211 to 214, 4 bases deleted (TTGC; older notation c.211_214delTTGC).
Protein change: p.Pro72fs; shifts the reading frame from proline 72.
Molecular consequence: frameshift variant.
Genome position (GRCh38, 1-based): chr2:227,240,209-227,240,212, TTGC deleted; deleting any 4 consecutive bases within chr2:227,240,207-227,240,212 gives the same sequence; the c. name uses the placement nearest the transcript's 3' end. VCF-style (leftmost placement, unchanged base first): chr2-227240206-GGCTT-G. GRCh37 (hg19) VCF-style: chr2-228104922-GGCTT-G.
Other names: short protein forms P72fs.
Identifiers: ClinVar variation 5014501 (VCV005014501.1).